The following is an entry in ClinVar:

ClinVar aggregate classification (germline): Uncertain significance (1 of 4 stars; one submission).

Conditions:
Ataxia-telangiectasia syndrome (AT). Also called: ATAXIA-TELANGIECTASIA, COMPLEMENTATION GROUP A; Ataxia telangiectasia (A-T); Cerebello-oculocutaneous telangiectasia; Immunodeficiency with ataxia telangiectasia; LOUIS-BAR SYNDROME; ATAXIA-TELANGIECTASIA, FRESNO VARIANT. Identifiers: Orphanet 100, MedGen C0004135, MONDO:0008840, OMIM 208900.

Allele frequency attached by ClinVar (database versions not stated): gnomAD exomes below 0.00001.
gnomAD v4.1: 3 of 1,613,166 alleles (0.00019%); highest among the groups gnomAD compares: Non-Finnish European, 0.00025%; no homozygotes.

Submission:

Labcorp Genetics (formerly Invitae), Labcorp
Classification: Uncertain significance for Ataxia-telangiectasia syndrome. Last evaluated: 2022-12-30. Review status: criteria provided, single submitter. Criteria: Invitae Variant Classification Sherloc (09022015). Collection method: clinical testing. Allele origin: germline.
Comment: In summary, the available evidence is currently insufficient to determine the role of this variant in disease. Therefore, it has been classified as a Variant of Uncertain Significance. Variants that disrupt the consensus splice site are a relatively common cause of aberrant splicing (PMID: 17576681, 9536098). Algorithms developed to predict the effect of sequence changes on RNA splicing suggest that this variant may disrupt the consensus splice site. This variant has not been reported in the literature in individuals affected with ATM-related conditions. This variant is not present in population databases (gnomAD no frequency). This sequence change falls in intron 15 of the ATM gene. It does not directly change the encoded amino acid sequence of the ATM protein. It affects a nucleotide within the consensus splice site.

Literature cited by the submitters: PubMed 17576681; PubMed 9536098.

NM_000051.4(ATM):c.2376+4A>G

Gene: ATM (ATM serine/threonine kinase; plus strand). Cytogenetic location: 11q22.3.
Variant type: single nucleotide variant.
Coding change: c.2376+4A>G on transcript NM_000051.4 (MANE Select); 4 bases into the intron after coding-DNA position 2376, A replaced by G.
Molecular consequence: intron variant.
Genome position (GRCh38, 1-based): chr11:108,257,610, A>G. VCF-style: chr11-108257610-A-G. GRCh37 (hg19) VCF-style: chr11-108128337-A-G.
Other names: c.2376+4A>G (NM_001351834.2).
Identifiers: ClinVar variation 2824939 (VCV002824939.3), dbSNP rs2135408505, ClinGen allele CA2615846753.